The following is an entry in ClinVar:

ClinVar aggregate classification (germline): Uncertain significance (1 of 4 stars; one submission).

Allele frequency attached by ClinVar (database versions not stated): gnomAD 0.00001; TOPMed 0.00001.

Submission:

GeneDx
Classification: Uncertain significance. Last evaluated: 2026-10-25. Review status: criteria provided, single submitter. Criteria: GeneDx Variant Classification Process June 2021. Collection method: clinical testing. Allele origin: germline.
Comment: Not observed at significant frequency in large population cohorts (gnomAD); In silico analysis suggests that this missense variant does not alter protein structure/function; Has not been previously published as pathogenic or benign to our knowledge; This variant is associated with the following publications: (PMID: 27535533)

NM_015365.3(AMMECR1):c.86C>T (p.Ser29Phe)

Gene: AMMECR1 (AMMECR nuclear protein 1; minus strand). Cytogenetic location: Xq23.
Variant type: single nucleotide variant.
Coding change: c.86C>T on transcript NM_015365.3 (MANE Select); coding-DNA position 86, C replaced by T.
Protein change: p.Ser29Phe; replaces serine 29 with phenylalanine.
Molecular consequence: missense variant. On other transcripts: intron variant (1).
Genome position (GRCh38, 1-based): chrX:110,317,986, G>A on the plus strand (C>T on the coding strand, the complement: AMMECR1 is on the minus strand). VCF-style: chrX-110317986-G-A. GRCh37 (hg19) VCF-style: chrX-109561214-G-A.
Other names: c.86C>T, p.Ser29Phe (NM_001025580.2); c.-147-137C>T (NM_001171689.2); short protein forms S29F.
Identifiers: ClinVar variation 1329532 (VCV001329532.4), dbSNP rs915758504, ClinGen allele CA334333686.